The following is an entry in ClinVar:

ClinVar aggregate classification (germline): Pathogenic (1 of 4 stars; one submission).

Submission:

Labcorp Genetics (formerly Invitae), Labcorp
Classification: Pathogenic. Last evaluated: 2021-12-01. Review status: criteria provided, single submitter. Criteria: Invitae Variant Classification Sherloc (09022015). Collection method: clinical testing. Allele origin: germline.
Comment: For these reasons, this variant has been classified as Pathogenic. This variant has not been reported in the literature in individuals affected with TUBGCP6-related conditions. This variant results in the deletion of exons 1-15 and part of exon 16 (c.-14464_3501del) of the TUBGCP6 gene. It is expected to result in an absent or disrupted protein product. Loss-of-function variants in TUBGCP6 are known to be pathogenic (PMID: 25344692).

Literature cited by the submitters: PubMed 25344692.

NC_000022.10:g.(?_50659287)_(50697352_?)del

Genes: HDAC10 (histone deacetylase 10; minus strand), MAPK12 (mitogen-activated protein kinase 12; minus strand), TUBGCP6 (tubulin gamma complex component 6; minus strand). Cytogenetic location: 22q13.33.
Variant type: Deletion.
Identifiers: ClinVar variation 2426562 (VCV002426562.4).